The following is an entry in ClinVar:

NM_007144.3(PCGF2):c.307_308del (p.Leu103fs)

Gene: PCGF2 (polycomb group ring finger 2; minus strand). Cytogenetic location: 17q12.
Variant type: Deletion.
Coding change: c.307_308del on transcript NM_007144.3 (MANE Select); coding-DNA positions 307 to 308, 2 bases deleted (CT; older notation c.307_308delCT).
Protein change: p.Leu103fs; shifts the reading frame from leucine 103.
Molecular consequence: frameshift variant.
Genome position (GRCh38, 1-based): chr17:38,739,076-38,739,077, AG deleted on the plus strand (CT on the coding strand, the reverse complement: PCGF2 is on the minus strand). VCF-style (leftmost placement, unchanged base first): chr17-38739075-CAG-C. GRCh37 (hg19) VCF-style: chr17-36895328-CAG-C.
Other names: c.307_308del, p.Leu103fs (NM_001369614.1, NM_001369615.1); short protein forms L103fs.
Identifiers: ClinVar variation 2880211 (VCV002880211.3), dbSNP rs1199579250, ClinGen allele CA626208162.

ClinVar aggregate classification (germline): Uncertain significance (1 of 4 stars; one submission).

Allele frequency attached by ClinVar (database versions not stated): gnomAD exomes below 0.00001; gnomAD 0.00001.

Submission:

Labcorp Genetics (formerly Invitae), Labcorp
Classification: Uncertain significance. Last evaluated: 2023-12-31. Review status: criteria provided, single submitter. Criteria: Invitae Variant Classification Sherloc (09022015). Collection method: clinical testing. Allele origin: germline.
Comment: This sequence change creates a premature translational stop signal (p.Leu103Aspfs*9) in the PCGF2 gene. It is expected to result in an absent or disrupted protein product. However, the current clinical and genetic evidence is not sufficient to establish whether loss-of-function variants in PCGF2 cause disease. This variant is present in population databases (no rsID available, gnomAD 0.004%). This variant has not been reported in the literature in individuals affected with PCGF2-related conditions. In summary, the available evidence is currently insufficient to determine the role of this variant in disease. Therefore, it has been classified as a Variant of Uncertain Significance.